The following is an entry in ClinVar:

ClinVar aggregate classification (germline): Uncertain significance (1 of 4 stars; one submission).

Allele frequency attached by ClinVar (database versions not stated): TOPMed 0.00002; gnomAD 0.00001.
gnomAD v4.1: 2 of 1,613,988 alleles (0.00012%); highest among the groups gnomAD compares: African/African-American, 0.0013%; no homozygotes.

Submission:

Labcorp Genetics (formerly Invitae), Labcorp
Classification: Uncertain significance. Last evaluated: 2022-08-16. Review status: criteria provided, single submitter. Criteria: Invitae Variant Classification Sherloc (09022015). Collection method: clinical testing. Allele origin: germline.
Comment: This sequence change falls in intron 19 of the ITGB4 gene. It does not directly change the encoded amino acid sequence of the ITGB4 protein. It affects a nucleotide within the consensus splice site. This variant is not present in population databases (gnomAD no frequency). This variant has not been reported in the literature in individuals affected with ITGB4-related conditions. Variants that disrupt the consensus splice site are a relatively common cause of aberrant splicing (PMID: 17576681, 9536098). Algorithms developed to predict the effect of sequence changes on RNA splicing suggest that this variant is not likely to affect RNA splicing. In summary, the available evidence is currently insufficient to determine the role of this variant in disease. Therefore, it has been classified as a Variant of Uncertain Significance.

Literature cited by the submitters: PubMed 17576681; PubMed 9536098.

NM_000213.5(ITGB4):c.2254+4T>C

Gene: ITGB4 (integrin subunit beta 4; plus strand). Cytogenetic location: 17q25.1.
Variant type: single nucleotide variant.
Coding change: c.2254+4T>C on transcript NM_000213.5 (MANE Select); 4 bases into the intron after coding-DNA position 2254, T replaced by C.
Molecular consequence: intron variant.
Genome position (GRCh38, 1-based): chr17:75,739,709, T>C. VCF-style: chr17-75739709-T-C. GRCh37 (hg19) VCF-style: chr17-73735790-T-C.
Other names: c.2254+4T>C (NM_001005619.2, NM_001005731.3, NM_001438834.1 and 1 more transcripts).
Identifiers: ClinVar variation 2088754 (VCV002088754.1), dbSNP rs1298924596, ClinGen allele CA775083504.
Genomic context (GRCh38, chr17:75,739,709, plus strand): 5'-CCCTCACCCACCTTGTCTCCTAGGCCTGCCTGGCACTTCTCCCGTGCTGCAACCGAGGTA[T>C]GGGCCTGGCATCGCAGGGGCAGCAGGGGCTCTGACTGCTCTTTCTCTGAGCTGGGGTGGA-3'